The following is an entry in ClinVar:

NM_015386.3(COG4):c.145G>C (p.Val49Leu)

Gene: COG4 (component of oligomeric golgi complex 4; minus strand). Cytogenetic location: 16q22.1.
Variant type: single nucleotide variant.
Coding change: c.145G>C on transcript NM_015386.3 (MANE Select); coding-DNA position 145, G replaced by C.
Protein change: p.Val49Leu; replaces valine 49 with leucine.
Molecular consequence: missense variant. On other transcripts: 5 prime UTR variant (1), non-coding transcript variant (1).
Genome position (GRCh38, 1-based): chr16:70,523,399, C>G on the plus strand (G>C on the coding strand, the complement: COG4 is on the minus strand). VCF-style: chr16-70523399-C-G. GRCh37 (hg19) VCF-style: chr16-70557302-C-G.
Other names: c.145G>C (NM_015386.2); c.133G>C, p.Val45Leu (NM_001195139.2); c.-455G>C (NM_001365426.1); short protein forms V45L, V49L.
Identifiers: ClinVar variation 3384468 (VCV003384468.3).

ClinVar aggregate classification (germline): Uncertain significance. Review status: criteria provided, multiple submitters, no conflicts (2 of 4 stars). 2 submissions from 2 submitters: Uncertain significance (2). Last evaluated 2025-05-15.

Conditions:
Inborn genetic diseases. Identifiers: MedGen C0950123, MeSH D030342.

gnomAD v4.1: 28 of 1,614,180 alleles (0.0017%); highest among the groups gnomAD compares: African/African-American, 0.013%; no homozygotes.

Submissions (2):

GeneDx
Classification: Uncertain significance. Last evaluated: 2025-05-15. Review status: criteria provided, single submitter. Criteria: GeneDx Variant Classification Process June 2021. Collection method: clinical testing. Allele origin: germline.
Comment: Not observed at significant frequency in large population cohorts (gnomAD); In silico analysis suggests that this missense variant does not alter protein structure/function; Has not been previously published as pathogenic or benign to our knowledge

Ambry Genetics
Classification: Uncertain significance for Inborn genetic diseases. Last evaluated: 2024-12-09. Review status: criteria provided, single submitter. Criteria: Ambry Variant Classification Scheme 2023. Collection method: clinical testing. Allele origin: germline.